The following is an entry in ClinVar:

ClinVar aggregate classification (germline): Uncertain significance (1 of 4 stars; one submission).

Submission:

GeneDx
Classification: Uncertain significance. Last evaluated: 2026-02-25. Review status: criteria provided, single submitter. Criteria: GeneDx Variant Classification Process June 2021. Collection method: clinical testing. Allele origin: germline.
Comment: Frameshift variant predicted to result in protein truncation or nonsense mediated decay in a gene or region of a gene for which loss of function is not a well-established mechanism of disease; Not observed at significant frequency in large population cohorts (gnomAD); Has not been previously published as pathogenic or benign to our knowledge

NM_020928.2(ZSWIM6):c.1516dup (p.Ser506fs)

Gene: ZSWIM6 (zinc finger SWIM-type containing 6; plus strand). Cytogenetic location: 5q12.1.
Variant type: Duplication.
Coding change: c.1516dup on transcript NM_020928.2 (MANE Select); coding-DNA position 1516, one base duplicated (T; older notation c.1516dupT).
Protein change: p.Ser506fs; shifts the reading frame from serine 506.
Molecular consequence: frameshift variant.
Genome position (GRCh38, 1-based): chr5:61,525,802, T duplicated; the last of 2 consecutive T bases (chr5:61,525,801-61,525,802); duplicating either gives the same sequence. VCF-style (leftmost placement, unchanged base first): chr5-61525800-A-AT. GRCh37 (hg19) VCF-style: chr5-60821627-A-AT.
Other names: short protein forms S506fs.
Identifiers: ClinVar variation 5008088 (VCV005008088.1).